The following is an entry in ClinVar:

NM_004586.3(RPS6KA3):c.1421C>T (p.Pro474Leu)

Gene: RPS6KA3 (ribosomal protein S6 kinase A3; minus strand). Cytogenetic location: Xp22.12.
Variant type: single nucleotide variant.
Coding change: c.1421C>T on transcript NM_004586.3 (MANE Select); coding-DNA position 1421, C replaced by T.
Protein change: p.Pro474Leu; replaces proline 474 with leucine.
Molecular consequence: missense variant.
Genome position (GRCh38, 1-based): chrX:20,169,424, G>A on the plus strand (C>T on the coding strand, the complement: RPS6KA3 is on the minus strand). VCF-style: chrX-20169424-G-A. GRCh37 (hg19) VCF-style: chrX-20187542-G-A.
Other names: short protein forms P474L.
Identifiers: ClinVar variation 3766267 (VCV003766267.1).

ClinVar aggregate classification (germline): Uncertain significance (1 of 4 stars; one submission).

Submission:

GeneDx
Classification: Uncertain significance. Last evaluated: 2024-08-22. Review status: criteria provided, single submitter. Criteria: GeneDx Variant Classification Process June 2021. Collection method: clinical testing. Allele origin: germline. Affected: yes.
Comment: Not observed at significant frequency in large population cohorts (gnomAD); In silico analysis supports that this missense variant has a deleterious effect on protein structure/function; Has not been previously published as pathogenic or benign to our knowledge